The following continues an entry in ClinVar:

NM_007294.4(BRCA1):c.2662C>T (p.His888Tyr)

Gene: BRCA1. ClinVar aggregate classification (germline): Conflicting classifications of pathogenicity. Uncertain significance (10); Benign (4); Likely benign (5).

Submissions 12 to 22 of 22:

Ambry Genetics
Classification: Uncertain significance for Hereditary cancer-predisposing syndrome. Last evaluated: 2024-03-11. Review status: criteria provided, single submitter. Criteria: Ambry Variant Classification Scheme 2023. Collection method: clinical testing. Allele origin: germline.
Comment: The p.H888Y variant (also known as c.2662C>T), located in coding exon 9 of the BRCA1 gene, results from a C to T substitution at nucleotide position 2662. The histidine at codon 888 is replaced by tyrosine, an amino acid with similar properties. This alteration has been reported in multiple ethnically diverse patients/families with suspected hereditary breast and/or ovarian cancer (Meyer P et al. Hum. Mutat. 2003 Sep; 22(3):259; Miramar MD et al. Breast Cancer Res. Treat. 2008 Nov; 112(2):353-8; Alvarez C et al. Oncotarget. 2017 Sep;8:74233-74243; Gabald&oacute; Barrios X et al. Fam Cancer. 2017 10;16:477-489; Tsaousis GN et al. BMC Cancer. 2019 Jun;19:535). In one study, this variant was reported in 4/60,466 breast cancer cases and in 3/53,461 controls (Dorling et al. N Engl J Med. 2021 02;384:428-439). This amino acid position is poorly conserved in available vertebrate species. In addition, the in silico prediction for this alteration is inconclusive. Based on the available evidence, the clinical significance of this alteration remains unclear.

Revvity Omics, Revvity
Classification: Uncertain significance. Last evaluated: 2023-10-18. Review status: criteria provided, single submitter. Criteria: ACMG Guidelines, 2015. Collection method: clinical testing. Allele origin: germline.

University of Washington Department of Laboratory Medicine, University of Washington
Classification: Likely benign for Hereditary cancer-predisposing syndrome. Last evaluated: 2023-03-23. Review status: criteria provided, single submitter. Criteria: Dines et al. (Genet Med. 2020). Collection method: curation. Allele origin: germline.
Comment: Missense variant in a coldspot region where missense variants are very unlikely to be pathogenic (PMID:31911673).

BRCA1 coldspot (exon 11 using historical exon numbering). Reclassification based on statistical prior probability

Women's Health and Genetics/Laboratory Corporation of America, LabCorp
Classification: Benign. Last evaluated: 2022-06-20. Review status: criteria provided, single submitter. Criteria: LabCorp Variant Classification Summary - May 2015. Collection method: clinical testing. Allele origin: germline.
Comment: Variant summary: BRCA1 c.2662C>T (p.His888Tyr) results in a conservative amino acid change in the encoded protein sequence. Five of five in-silico tools predict a benign effect of the variant on protein function. A recent report from the CAGI5 (fifth Critical Assessment of Genome Interpretation) challenge has classified this variant as Class 2 (Likely not pathogenic) in a prediction protocol that includes assessment of the impact of this variant on splicing and protein function using four sets of predictors (Padilla_2019). The variant allele was found at a frequency of 2e-05 in 251050 control chromosomes. The available data on variant occurrences in the general population are insufficient to allow any conclusion about variant significance. c.2662C>T has been reported in the literature in individuals affected with Breast and/or Ovarian Cancer or colorectal cancer (example, Judkins 2005, Meyer 2003, Miramar 2008, Kraus 2016, Alvarez 2017, Gabaldo 2017, Tsaousis_2019, Ferrer-Avargues_2021). These report(s) do not provide unequivocal conclusions about association of the variant with Hereditary Breast And Ovarian Cancer Syndrome. Co-occurrences with other pathogenic variant(s) have been reported (UMD database - BRCA2 c.5073dup, p.Trp1692MetfsX3; Ferrer-Avargues_2021 - MSH6 c.3996_4000dup, p.Arg1334HisfsTer), providing supporting evidence for a benign role. At least one publication reports experimental evidence evaluating an impact on protein function in a homologous recombination DNA repair (HRR) complementation assay (example, Bouwman_2020). These results showed no damaging effect of this variant. Ten clinical diagnostic laboratories have submitted clinical-significance assessments for this variant to ClinVar after 2014 without evidence for independent evaluation. Multiple laboratories reported the variant with conflicting assessments (Benign/Likely Benign, n=2; VUS, n=8). Based on the evidence outlined above, the variant was classified as benign.

Sema4
Classification: Uncertain significance for Hereditary cancer-predisposing syndrome. Last evaluated: 2021-12-07. Review status: criteria provided, single submitter. Criteria: Sema4 Curation Guidelines. Collection method: curation. Allele origin: germline.
Comment: The BRCA1 c.2662C>T (p.H888Y) variant has been reported in individuals with breast cancer and/or ovarian cancer (PMID:27616075, 28477318, 29088781,18176857, 12938098). It has been reported in a large case-control study of breast cancer in 4/60466 cases and 3/53461 controls (PMID: 33471991). This variant is also known as c.2781C>T in the literature. It was observed in 4/113480 chromosomes of the European (non-Finnish) subpopulation in the large and broad cohorts of the Genome Aggregation Database (PMID: 32461654). The variant has been reported in ClinVar (Variation ID 54632). Functional studies have not been performed, and in silico predictions of the variant's effect on protein function are inconclusive. The evidence is insufficient to meet ACMG/AMP criteria for classifying the variant as benign or pathogenic. Thus, the clinical significance of this variant is currently uncertain.

GeneKor MSA
Classification: Uncertain significance for Hereditary cancer-predisposing syndrome. Last evaluated: 2018-08-01. Review status: criteria provided, single submitter. Criteria: ACMG Guidelines, 2015. Collection method: clinical testing. Allele origin: germline. Affected: yes.

CHEO Genetics Diagnostic Laboratory, Children's Hospital of Eastern Ontario
Classification: Uncertain significance for Breast and/or ovarian cancer. Last evaluated: 2016-02-29. Review status: criteria provided, single submitter. Criteria: ACMG Guidelines, 2015. Collection method: clinical testing. Allele origin: germline. Study: Canadian Open Genetics Repository.

Color Diagnostics, LLC DBA Color Health
Classification: Benign for Hereditary cancer-predisposing syndrome. Last evaluated: 2015-12-28. Review status: criteria provided, single submitter. Criteria: ACMG Guidelines, 2015. Collection method: clinical testing. Allele origin: germline.

Counsyl
Classification: Uncertain significance for Breast-ovarian cancer, familial, susceptibility to, 1. Last evaluated: 2016-02-19. Review status: no assertion criteria provided. Collection method: clinical testing. Allele origin: unknown. Not counted in ClinVar's aggregate classification.

Breast Cancer Information Core (BIC) (BRCA1)
Classification: Uncertain significance for Breast-ovarian cancer, familial 1. Last evaluated: 2003-12-23. Review status: no assertion criteria provided. Collection method: clinical testing. Allele origin: germline. Affected: yes. Observed: 2 variant alleles. Not counted in ClinVar's aggregate classification.

Department of Pathology and Laboratory Medicine, Sinai Health System
Classification: Uncertain significance. Review status: no assertion criteria provided. Collection method: clinical testing. Allele origin: unknown. Affected: yes. Observed: 1 variant allele. Study: The Canadian Open Genetics Repository (COGR). Not counted in ClinVar's aggregate classification.

Literature cited by the submitters: PubMed 31159747 (cited by 3 submitters); PubMed 33875564 (cited by Quest Diagnostics Nichols Institute San Juan Capistrano); PubMed 33630411 (cited by Quest Diagnostics Nichols Institute San Juan Capistrano and Women's Health and Genetics/Laboratory Corporation of America, LabCorp); PubMed 34597585 (cited by Quest Diagnostics Nichols Institute San Juan Capistrano); PubMed 34981296 (cited by Quest Diagnostics Nichols Institute San Juan Capistrano); PubMed 33471991 (cited by 3 submitters); PubMed 18176857 (cited by 5 submitters); PubMed 12938098 (cited by 5 submitters); PubMed 27616075 (cited by 3 submitters); PubMed 28477318 (cited by 4 submitters); PubMed 29088781 (cited by 4 submitters); PubMed 16267036 (cited by 3 submitters); PubMed 32546644 (cited by Quest Diagnostics Nichols Institute San Juan Capistrano and Women's Health and Genetics/Laboratory Corporation of America, LabCorp); PubMed 31112341 (cited by Quest Diagnostics Nichols Institute San Juan Capistrano and Women's Health and Genetics/Laboratory Corporation of America, LabCorp); PubMed 31131967 (cited by Quest Diagnostics Nichols Institute San Juan Capistrano and Women's Health and Genetics/Laboratory Corporation of America, LabCorp); PubMed 31294896 (cited by Quest Diagnostics Nichols Institute San Juan Capistrano and Women's Health and Genetics/Laboratory Corporation of America, LabCorp); PubMed 15385441 (cited by Women's Health and Genetics/Laboratory Corporation of America, LabCorp and Counsyl); PubMed 25348012 (cited by Women's Health and Genetics/Laboratory Corporation of America, LabCorp and Counsyl); PubMed 26206375 (cited by Women's Health and Genetics/Laboratory Corporation of America, LabCorp and Counsyl); PubMed 24393486 (cited by Counsyl).